The following is an entry in ClinVar:

NM_032119.4(ADGRV1):c.5387C>G (p.Ser1796Cys)

Gene: ADGRV1 (adhesion G protein-coupled receptor V1; plus strand). Cytogenetic location: 5q14.3.
Variant type: single nucleotide variant.
Coding change: c.5387C>G on transcript NM_032119.4 (MANE Select); coding-DNA position 5387, C replaced by G.
Protein change: p.Ser1796Cys; replaces serine 1796 with cysteine.
Molecular consequence: missense variant. On other transcripts: non-coding transcript variant (1).
Genome position (GRCh38, 1-based): chr5:90,676,153, C>G. VCF-style: chr5-90676153-C-G. GRCh37 (hg19) VCF-style: chr5-89971970-C-G.
Other names: short protein forms S1796C.
Identifiers: ClinVar variation 1120483 (VCV001120483.16), dbSNP rs770897158, ClinGen allele CA3339556.
Genomic context (GRCh38, chr5:90,676,153, plus strand): 5'-CATTAGAATTTCAACCAGGAGAAAGATATAAATACATTTTCATAAACATCACTGATAATT[C>G]TATTCCTGAACTGGAAAAATCTTTTAAAGTTGAGTTGTTAAACTTGGAAGGAGGAGGTAA-3'
Protein context (NP_115495.3, residues 1786-1806): KYIFINITDN[Ser1796Cys]IPELEKSFKV

ClinVar aggregate classification (germline): Conflicting classifications of pathogenicity. Review status: criteria provided, conflicting classifications (1 of 4 stars). 5 submissions from 5 submitters: Uncertain significance (1); Likely benign (4). Last evaluated 2025-09-16.

Conditions:
ADGRV1-related disorder. Also called: ADGRV1-related condition; ADGRV1-related disorders.

Allele frequency attached by ClinVar (database versions not stated): TOPMed 0.00002; gnomAD 0.00006; gnomAD exomes 0.00017 and 0.00033; ExAC 0.00044.
gnomAD v4.1: 254 of 1,606,936 alleles (0.016%); highest among the groups gnomAD compares: South Asian, 0.28%; 6 homozygotes.

Submissions (5):

Labcorp Genetics (formerly Invitae), Labcorp
Classification: Likely benign. Last evaluated: 2025-09-16. Review status: criteria provided, single submitter. Criteria: Invitae Variant Classification Sherloc (09022015). Collection method: clinical testing. Allele origin: germline.

PreventionGenetics, part of Exact Sciences
Classification: Likely benign for ADGRV1-related condition. Last evaluated: 2025-08-20. Review status: criteria provided, single submitter. Criteria: ACMG Guidelines, 2015. Collection method: clinical testing. Allele origin: germline.
Comment: This variant is classified as likely benign based on ACMG/AMP sequence variant interpretation guidelines (Richards et al. 2015 PMID: 25741868, with internal and published modifications).

Blueprint Genetics
Classification: Likely benign. Last evaluated: 2024-09-23. Review status: criteria provided, single submitter. Criteria: ACMG Guidelines, 2015. Collection method: clinical testing. Allele origin: germline.

Revvity Omics, Revvity
Classification: Uncertain significance. Last evaluated: 2023-10-31. Review status: criteria provided, single submitter. Criteria: ACMG Guidelines, 2015. Collection method: clinical testing. Allele origin: germline.

GeneDx
Classification: Likely benign. Last evaluated: 2020-07-09. Review status: criteria provided, single submitter. Criteria: GeneDx Variant Classification Process June 2021. Collection method: clinical testing. Allele origin: germline. Affected: yes.